The following is an entry in ClinVar:

ClinVar aggregate classification (germline): Uncertain significance (1 of 4 stars; one submission).

Conditions:
Hypogonadotropic hypogonadism 2 with or without anosmia (HH2). Also called: HYPOGONADOTROPIC HYPOGONADISM 2 WITH OR WITHOUT ANOSMIA, SUSCEPTIBILITY TO; HYPOGONADOTROPIC HYPOGONADISM 2 WITHOUT ANOSMIA, SUSCEPTIBILITY TO; FGFR1-Related GnRH Deficiency (Kallmann Syndrome 2); HYPOGONADOTROPIC HYPOGONADISM 2 WITHOUT ANOSMIA. Identifiers: Orphanet 478, MedGen C1563720, MONDO:0007844, OMIM 147950. Disease mechanism: loss of function.
Pfeiffer syndrome (ACS5). Also called: ACS V. Identifiers: Orphanet 710, MedGen C0220658, MONDO:0007043, OMIM 101600.

Allele frequency attached by ClinVar (database versions not stated): TOPMed below 0.00001; gnomAD 0.00001.
gnomAD v4.1: 1 of 1,612,290 alleles (0.000062%); highest among the groups gnomAD compares: African/African-American, 0.0013%; no homozygotes.

Submission:

Labcorp Genetics (formerly Invitae), Labcorp
Classification: Uncertain significance for Pfeiffer syndrome; Hypogonadotropic hypogonadism 2 with or without anosmia. Last evaluated: 2025-08-18. Review status: criteria provided, single submitter. Criteria: Invitae Variant Classification Sherloc (09022015). Collection method: clinical testing. Allele origin: germline.
Comment: This sequence change replaces asparagine, which is neutral and polar, with serine, which is neutral and polar, at codon 816 of the FGFR1 protein (p.Asn816Ser). This variant is not present in population databases (gnomAD no frequency). This variant has not been reported in the literature in individuals affected with FGFR1-related conditions. ClinVar contains an entry for this variant (Variation ID: 1401450). Invitae Evidence Modeling of protein sequence and biophysical properties (such as structural, functional, and spatial information, amino acid conservation, physicochemical variation, residue mobility, and thermodynamic stability) has been performed for this missense variant. However, the output from this modeling did not meet the statistical confidence thresholds required to predict the impact of this variant on FGFR1 protein function. In summary, the available evidence is currently insufficient to determine the role of this variant in disease. Therefore, it has been classified as a Variant of Uncertain Significance.

NM_023110.3(FGFR1):c.2447A>G (p.Asn816Ser)

Gene: FGFR1 (fibroblast growth factor receptor 1; minus strand). Cytogenetic location: 8p11.23.
Variant type: single nucleotide variant.
Coding change: c.2447A>G on transcript NM_023110.3 (MANE Select); coding-DNA position 2447, A replaced by G.
Protein change: p.Asn816Ser; replaces asparagine 816 with serine.
Molecular consequence: missense variant. On other transcripts: intron variant (3).
Genome position (GRCh38, 1-based): chr8:38,413,650, T>C on the plus strand (A>G on the coding strand, the complement: FGFR1 is on the minus strand). VCF-style: chr8-38413650-T-C. GRCh37 (hg19) VCF-style: chr8-38271168-T-C.
Other names: c.2441A>G, p.Asn814Ser (NM_001174063.2, NM_001174065.2, NM_015850.4); c.2417A>G, p.Asn806Ser (NM_001174064.2); c.2180A>G, p.Asn727Ser (NM_001174066.2, NM_023105.3); c.2540A>G, p.Asn847Ser (NM_001174067.2); c.2168A>G, p.Asn723Ser (NM_001354368.2); c.2174A>G, p.Asn725Ser (NM_023106.3); c.2019+268A>G (NM_001354370.2); c.2286+268A>G (NM_001354367.2); and 1 more; short protein forms N814S, N725S, N727S, N806S, N847S, N723S, N816S.
Identifiers: ClinVar variation 1401450 (VCV001401450.6), dbSNP rs1815142188, ClinGen allele CA370726736.